The following is an entry in ClinVar:

NM_003978.5(PSTPIP1):c.1208G>A (p.Gly403Glu)

Gene: PSTPIP1 (proline-serine-threonine phosphatase interacting protein 1; plus strand). Cytogenetic location: 15q24.3.
Variant type: single nucleotide variant.
Coding change: c.1208G>A on transcript NM_003978.5 (MANE Select); coding-DNA position 1208, G replaced by A.
Protein change: p.Gly403Glu; replaces glycine 403 with glutamic acid.
Molecular consequence: missense variant. On other transcripts: non-coding transcript variant (1).
Genome position (GRCh38, 1-based): chr15:77,037,133, G>A. VCF-style: chr15-77037133-G-A. GRCh37 (hg19) VCF-style: chr15-77329474-G-A.
Other names: p.Gly403Glu; c.1151G>A, p.Gly384Glu (NM_001321135.2); c.1181G>A, p.Gly394Glu (NM_001321136.2); c.1403G>A, p.Gly468Glu (NM_001321137.1); short protein forms G403E, G384E, G394E, G468E.
Identifiers: ClinVar variation 242306 (VCV000242306.35), dbSNP rs201572812, ClinGen allele CA7676226.

ClinVar aggregate classification (germline): Conflicting classifications of pathogenicity. Review status: criteria provided, conflicting classifications (1 of 4 stars). 8 submissions from 8 submitters: Uncertain significance (6); Benign (1); Likely benign (1). Last evaluated 2026-02-03.

Conditions:
PSTPIP1-related disorder. Also called: PSTPIP1-related condition.
Autoinflammatory syndrome. Identifiers: Orphanet 93665, MedGen C3890737, MONDO:0019751.
Pyogenic arthritis-pyoderma gangrenosum-acne syndrome (PAPA). Also called: FAMILIAL RECURRENT ARTHRITIS; PAPA SYNDROME. Identifiers: Orphanet 69126, MedGen C1858361, MONDO:0011462, OMIM 604416.

Allele frequency attached by ClinVar (database versions not stated): ESP Exome Variant Server 0.00016; gnomAD exomes 0.00021 and 0.00048; ExAC 0.00024; gnomAD 0.00026 and 0.00027; TOPMed 0.00026.
gnomAD v4.1: 752 of 1,612,012 alleles (0.047%); highest among the groups gnomAD compares: Non-Finnish European, 0.059%; 3 homozygotes.

Submissions (8):

Labcorp Genetics (formerly Invitae), Labcorp
Classification: Uncertain significance for Pyogenic arthritis-pyoderma gangrenosum-acne syndrome. Last evaluated: 2026-02-03. Review status: criteria provided, single submitter. Criteria: Invitae Variant Classification Sherloc (09022015). Collection method: clinical testing. Allele origin: germline.
Comment: This sequence change replaces glycine, which is neutral and non-polar, with glutamic acid, which is acidic and polar, at codon 403 of the PSTPIP1 protein (p.Gly403Glu). This variant is present in population databases (rs201572812, gnomAD 0.04%), and has an allele count higher than expected for a pathogenic variant. This missense change has been observed in individual(s) with hidradenitis suppurativa (PMID: 37013170). ClinVar contains an entry for this variant (Variation ID: 242306). Invitae Evidence Modeling of protein sequence and biophysical properties (such as structural, functional, and spatial information, amino acid conservation, physicochemical variation, residue mobility, and thermodynamic stability) indicates that this missense variant is not expected to disrupt PSTPIP1 protein function with a negative predictive value of 80%. Experimental studies are conflicting or provide insufficient evidence to determine the effect of this variant on PSTPIP1 function (PMID: 37013170). In summary, the available evidence is currently insufficient to determine the role of this variant in disease. Therefore, it has been classified as a Variant of Uncertain Significance.

CeGaT Center for Human Genetics Tuebingen
Classification: Likely benign. Last evaluated: 2026-02-01. Review status: criteria provided, single submitter. Criteria: CeGaT Center For Human Genetics Tuebingen Variant Classification Criteria Version 2. Collection method: clinical testing. Allele origin: germline. Affected: yes. Observed: 1 variant allele.
Comment: PSTPIP1: BS2

PreventionGenetics, part of Exact Sciences
Classification: Uncertain significance for PSTPIP1-related condition. Last evaluated: 2025-01-29. Review status: criteria provided, single submitter. Criteria: ACMG Guidelines, 2015. Collection method: clinical testing. Allele origin: germline.
Comment: The PSTPIP1 c.1208G>A variant is predicted to result in the amino acid substitution p.Gly403Glu. To our knowledge, this variant has not been reported in the literature. This variant is reported in 0.041% of alleles in individuals of European (Non-Finnish) descent in gnomAD and has conflicting interpretations regarding its pathogenicity in ClinVar, ranging from uncertain significance to benign. Of note, another variant altering the p.Gly403 amino acid has been reported in the heterozygous state in an individual with pyoderma gangrenosum, acne, and ulcerative colitis [c.1207G>C (p.Gly403Arg), Zeeli at el. 2015. PubMed ID: 25683018]. While this variant may be benign, at this time, the clinical significance of this variant is uncertain due to the absence of conclusive functional and genetic evidence.

ARUP Laboratories, Molecular Genetics and Genomics, ARUP Laboratories
Classification: Uncertain significance for Pyogenic arthritis-pyoderma gangrenosum-acne syndrome. Last evaluated: 2023-10-26. Review status: criteria provided, single submitter. Criteria: ARUP Molecular Germline Variant Investigation Process 2024. Collection method: clinical testing. Allele origin: germline.
Comment: The PSTPIP1 c.1208G>A; p.Gly403Glu variant (rs201572812), to our knowledge, is not reported in the medical literature but is reported in ClinVar (Variation ID: 242306). This variant is found in the non-Finnish European population with an overall allele frequency of 0.04% (52/126858 alleles) in the Genome Aggregation Database. The glycine at codon 403 is moderately conserved and computational analyses (SIFT, PolyPhen-2) predict that this variant is deleterious. Additionally, another amino acid substitution at this codon (p.Gly403Arg) has been reported in an individual with pyoderma gangrenosum, acne and ulcerative colitis, although its clinical significance in this individual was not demonstrated (Zeeli 2015). Due to limited information, the clinical significance of the p.Gly403Glu variant is uncertain at this time. References: Zeeli T et al. Pyoderma gangrenosum, acne and ulcerative colitis in a patient with a novel mutation in the PSTPIP1 gene. Clin Exp Dermatol. 2015 Jun;40(4):367-72.

Mayo Clinic Laboratories, Mayo Clinic
Classification: Uncertain significance. Last evaluated: 2021-07-08. Review status: criteria provided, single submitter. Criteria: ACMG Guidelines, 2015. Collection method: clinical testing. Allele origin: germline.

Genome Diagnostics Laboratory, The Hospital for Sick Children
Classification: Uncertain significance for Autoinflammatory syndrome. Last evaluated: 2020-02-01. Review status: criteria provided, single submitter. Criteria: ACMG Guidelines, 2015. Collection method: clinical testing. Allele origin: germline. Affected: yes.

Illumina Laboratory Services, Illumina
Classification: Benign for Pyogenic arthritis-pyoderma gangrenosum-acne syndrome. Last evaluated: 2018-01-12. Review status: criteria provided, single submitter. Criteria: ICSL Variant Classification Criteria 13 December 2019. Collection method: clinical testing. Allele origin: germline.
Comment: This variant was observed in the ICSL laboratory as part of a predisposition screen in an ostensibly healthy population. It had not been previously curated by ICSL or reported in the Human Gene Mutation Database (HGMD: prior to June 1st, 2018), and was therefore a candidate for classification through an automated scoring system. Utilizing variant allele frequency, disease prevalence and penetrance estimates, and inheritance mode, an automated score was calculated to assess if this variant is too frequent to cause the disease. Based on the score and internal cut-off values, a variant classified as benign is not then subjected to further curation. The score for this variant resulted in a classification of benign for this disease.

GeneDx
Classification: Uncertain significance. Last evaluated: 2016-01-28. Review status: criteria provided, single submitter. Criteria: GeneDx Variant Classification (06012015). Collection method: clinical testing. Allele origin: germline. Affected: yes.
Comment: The G403E variant has not been published as a pathogenic variant, nor has it been reported as a benign variant to our knowledge. The variant was not observed at any significant frequency in approximately 6,500 individuals of European and African American ancestry in the NHLBI Exome Sequencing Project, indicating it is not a common benign variant in these populations. G403E is a non-conservative amino acid substitution, which is likely to impact secondary protein structure as these residues differ in polarity, charge, size and/or other properties. This substitution occurs at a position within the SH3 region that is conserved across species, and in silico analysis predicts this variant is probably damaging to the protein structure/function. A missense variant in the same codon (G403R) has been reported in the Human Gene Mutation Database in association with pyoderma gangrenosum, acne, and ulcerative colitis (Stenson et al., 2014), supporting the functional importance of this region of the protein. However, the pathogenicity of missense changes in the SH3 region of the PSTPIP1 protein is unclear, as pathogenic variants associated with PAPA syndrome have traditionally been identified in the coiled-coil domain region. Therefore, based on the currently available information, it is unclear whether this variant is a pathogenic variant or a rare benign variant.

Literature cited by the submitters: PubMed 37013170 (cited by Labcorp Genetics (formerly Invitae), Labcorp).